The following is an entry in ClinVar:

ClinVar aggregate classification (germline): Uncertain significance (1 of 4 stars; one submission).

Submission:

GeneDx
Classification: Uncertain significance. Last evaluated: 2024-07-16. Review status: criteria provided, single submitter. Criteria: GeneDx Variant Classification Process June 2021. Collection method: clinical testing. Allele origin: germline. Affected: yes.
Comment: Not observed at significant frequency in large population cohorts (gnomAD); In silico analysis indicates that this missense variant does not alter protein structure/function; Has not been previously published as pathogenic or benign to our knowledge

NM_170606.3(KMT2C):c.11071C>G (p.Gln3691Glu)

Gene: KMT2C (lysine methyltransferase 2C; minus strand). Cytogenetic location: 7q36.1.
Variant type: single nucleotide variant.
Coding change: c.11071C>G on transcript NM_170606.3 (MANE Select); coding-DNA position 11071, C replaced by G.
Protein change: p.Gln3691Glu; replaces glutamine 3691 with glutamic acid.
Molecular consequence: missense variant.
Genome position (GRCh38, 1-based): chr7:152,162,506, G>C on the plus strand (C>G on the coding strand, the complement: KMT2C is on the minus strand). VCF-style: chr7-152162506-G-C. GRCh37 (hg19) VCF-style: chr7-151859591-G-C.
Other names: short protein forms Q3691E.
Identifiers: ClinVar variation 3573646 (VCV003573646.1).